The following is an entry in ClinVar:

ClinVar aggregate classification (germline): Pathogenic/Likely pathogenic. Review status: criteria provided, multiple submitters, no conflicts (2 of 4 stars). 5 submissions from 5 submitters: Pathogenic (1); Likely pathogenic (3). 1 of the submissions does not count toward it. Last evaluated 2023-02-24.

Conditions:
H3F3A-related disorder. Also called: H3F3A-related disorders; H3F3A-related condition.
Inborn genetic diseases. Identifiers: MedGen C0950123, MeSH D030342.
Bryant-Li-Bhoj neurodevelopmental syndrome 1 (BRYLIB1). Identifiers: MedGen C5676905, MONDO:0030606, OMIM 619720.

Allele frequency attached by ClinVar (database versions not stated): gnomAD exomes below 0.00001; TOPMed below 0.00001.
gnomAD v4.1: 1 of 1,165,556 alleles (0.000086%); highest among the groups gnomAD compares: South Asian, 0.0012%; no homozygotes.

Submissions (5):

Illumina Laboratory Services, Illumina
Classification: Pathogenic for Bryant-Li-Bhoj neurodevelopmental syndrome 1. Last evaluated: 2023-02-24. Review status: criteria provided, single submitter. Criteria: ICSLVariantClassificationCriteria RUGD 01 April 2020. Collection method: clinical testing. Allele origin: unknown.
Comment: The H3-3A (also referred to as H3F3A) c.377A>G (p.Gln126Arg) missense variant results in the substitution of glutamine at amino acid position 126 with arginine. This variant has been reported in a de novo state in at least three unrelated individuals with developmental delay, seizures, variable brain anomalies and dysmorphisms among other features (PMID: 33268356). This variant is not found in version 2.1.1 or version 3.1.2 of the Genome Aggregation Database. De novo missense variants are reported as a common mechanism of disease, and this variant was identified in a de novo state. Based on the available evidence, the c.377A>G (p.Gln126Arg) variant is classified as pathogenic for Bryant-Li-Bhoj neurodevelopmental syndrome.

CeGaT Center for Human Genetics Tuebingen
Classification: Likely pathogenic. Last evaluated: 2018-11-01. Review status: criteria provided, single submitter. Criteria: CeGaT Center For Human Genetics Tuebingen Variant Classification Criteria Version 2. Collection method: clinical testing. Allele origin: germline. Affected: yes. Observed: 1 variant allele.

Undiagnosed Diseases Network, NIH
Classification: Likely pathogenic for H3F3A-related condition. Last evaluated: 2017-11-03. Review status: criteria provided, single submitter. Criteria: ACMG Guidelines, 2015. Collection method: clinical testing. Allele origin: de novo. Inheritance: Autosomal dominant inheritance. Affected: yes. Observed: 1 variant allele, 1 heterozygote. Study: Undiagnosed Diseases Network (NIH), UDN.

Ambry Genetics
Classification: Likely pathogenic for Inborn genetic diseases. Last evaluated: 2015-09-23. Review status: criteria provided, single submitter. Criteria: Ambry exome assertion method (8-5-2015). Collection method: clinical testing. Allele origin: germline. Affected: yes. Observed: 1 variant allele.

OMIM
Classification: Pathogenic for BRYANT-LI-BHOJ NEURODEVELOPMENTAL SYNDROME 1. Last evaluated: 2022-02-01. Review status: no assertion criteria provided. Collection method: literature only. Allele origin: germline. Not counted in ClinVar's aggregate classification.

Literature cited by the submitters: PubMed 33268356 (cited by Illumina Laboratory Services, Illumina and OMIM); PubMed 26139371 (cited by Ambry Genetics); PubMed 24493739 (cited by Ambry Genetics); PubMed 26159857 (cited by Ambry Genetics).

NM_002107.7(H3-3A):c.377A>G (p.Gln126Arg)

Gene: H3-3A (H3.3 histone A; plus strand). Cytogenetic location: 1q42.12.
Variant type: single nucleotide variant.
Coding change: c.377A>G on transcript NM_002107.7 (MANE Select); coding-DNA position 377, A replaced by G.
Protein change: p.Gln126Arg; replaces glutamine 126 with arginine.
Molecular consequence: missense variant.
Genome position (GRCh38, 1-based): chr1:226,071,445, A>G. VCF-style: chr1-226071445-A-G. GRCh37 (hg19) VCF-style: chr1-226259146-A-G.
Other names: H3F3A, GLN126ARG; c.377A>G, p.Gln126Arg (NM_001379043.1, NM_001379045.1, NM_001379046.1 and 1 more transcripts); short protein forms Q126R.
Identifiers: ClinVar variation 520774 (VCV000520774.48), dbSNP rs1276519904, ClinGen allele CA345021021.